The following is an entry in ClinVar:

ClinVar aggregate classification (germline): Conflicting classifications of pathogenicity. Review status: criteria provided, conflicting classifications (1 of 4 stars). 14 submissions from 14 submitters: Uncertain significance (12); Likely benign (2). Last evaluated 2025-12-17.

Conditions:
Breast and/or ovarian cancer. Identifiers: MedGen CN221562.
Hereditary cancer-predisposing syndrome. Also called: Hereditary neoplastic syndrome; Tumor predisposition; Neoplastic Syndromes, Hereditary; Hereditary Cancer Syndrome. Identifiers: Orphanet 140162, MedGen C0027672, MeSH D009386, MONDO:0015356.
Familial cancer of breast. Also called: hereditary breast carcinoma; Hereditary breast cancer; BREAST CANCER, FAMILIAL. Identifiers: Orphanet 227535, MedGen C0346153, MONDO:0016419, OMIM 114480. Disease mechanism: loss of function.

Allele frequency attached by ClinVar (database versions not stated): gnomAD 0.00006; TOPMed 0.00007; ESP Exome Variant Server 0.00008.
gnomAD v4.1: 95 of 1,613,862 alleles (0.0059%); highest among the groups gnomAD compares: Non-Finnish European, 0.0071%; no homozygotes.

Submissions (14):

Labcorp Genetics (formerly Invitae), Labcorp
Classification: Uncertain significance for Familial cancer of breast. Last evaluated: 2025-12-17. Review status: criteria provided, single submitter. Criteria: Invitae Variant Classification Sherloc (09022015). Collection method: clinical testing. Allele origin: germline.
Comment: This sequence change replaces threonine, which is neutral and polar, with asparagine, which is neutral and polar, at codon 598 of the BARD1 protein (p.Thr598Asn). This variant is present in population databases (rs376256852, gnomAD 0.005%). This missense change has been observed in individual(s) with colorectal cancer (PMID: 28135145, 32854451). ClinVar contains an entry for this variant (Variation ID: 127723). An algorithm developed to predict the effect of missense changes on protein structure and function (PolyPhen-2) suggests that this variant is likely to be tolerated. In summary, the available evidence is currently insufficient to determine the role of this variant in disease. Therefore, it has been classified as a Variant of Uncertain Significance.

Color Diagnostics, LLC DBA Color Health
Classification: Uncertain significance for Hereditary cancer-predisposing syndrome. Last evaluated: 2025-11-25. Review status: criteria provided, single submitter. Criteria: ACMG Guidelines, 2015. Collection method: clinical testing. Allele origin: germline.
Comment: This missense variant replaces threonine with asparagine at codon 598 of the BARD1 protein. Computational prediction suggests that this variant may not impact protein structure and function. To our knowledge, functional studies have not been reported for this variant. This variant has been detected in a breast cancer case-control meta-analysis in 2/60466 cases and 4/53461 unaffected individuals (PMID: 33471991LOVD DB-ID BARD1_000163). This variant has been reported in an individual affected with colorectal cancer (PMID: 28135145). This variant also has been detected in 2 individuals older than age 70 years who have never had cancer (FLOSSIES database). This variant has also been identified in 95/1613862 chromosomes in the general population by the Genome Aggregation Database (gnomAD). Although there is a suspicion that this variant may not be associated with disease, additional studies are necessary to determine the role of this variant in disease conclusively. Therefore, this variant is classified as a Variant of Uncertain Significance.

Mayo Clinic Laboratories, Mayo Clinic
Classification: Uncertain significance. Last evaluated: 2025-05-28. Review status: criteria provided, single submitter. Criteria: ACMG Guidelines, 2015. Collection method: clinical testing. Allele origin: germline. Observed: 1 variant allele.
Comment: BP4_moderate

Myriad Genetics, Inc.
Classification: Likely benign for Familial cancer of breast. Last evaluated: 2024-07-26. Review status: criteria provided, single submitter. Criteria: Myriad Autosomal Dominant, Autosomal Recessive and X-Linked Classification Criteria (2023). Collection method: clinical testing. Allele origin: unknown.
Comment: This variant is considered likely benign. This variant is strongly associated with less severe personal and family histories of cancer, typical for individuals without pathogenic variants in this gene [PMID: 25085752].

Blueprint Genetics
Classification: Uncertain significance. Last evaluated: 2024-03-28. Review status: criteria provided, single submitter. Criteria: ACMG Guidelines, 2015. Collection method: clinical testing. Allele origin: germline.

Ambry Genetics
Classification: Likely benign for Hereditary cancer-predisposing syndrome. Last evaluated: 2024-03-25. Review status: criteria provided, single submitter. Criteria: Ambry Variant Classification Scheme 2023. Collection method: clinical testing. Allele origin: germline.

Baylor Genetics
Classification: Uncertain significance for Familial cancer of breast. Last evaluated: 2024-03-06. Review status: criteria provided, single submitter. Criteria: ACMG Guidelines, 2015. Collection method: clinical testing. Allele origin: unknown.

GeneDx
Classification: Uncertain significance. Last evaluated: 2024-02-28. Review status: criteria provided, single submitter. Criteria: GeneDx Variant Classification Process June 2021. Collection method: clinical testing. Allele origin: germline. Affected: yes.
Comment: Not observed at significant frequency in large population cohorts (gnomAD); In silico analysis supports that this missense variant does not alter protein structure/function; Observed in at least one individual with a personal history of colon cancer who underwent multi-gene panel testing, as well as both cases and controls in a breast cancer study (PMID: 28135145, 33471991); This variant is associated with the following publications: (PMID: 25318351, 32854451, 17550235, 33471991, 28135145)

Quest Diagnostics Nichols Institute San Juan Capistrano
Classification: Uncertain significance. Last evaluated: 2023-05-26. Review status: criteria provided, single submitter. Criteria: Quest Diagnostics criteria. Collection method: clinical testing. Allele origin: unknown.
Comment: In the published literature, this variant has been reported in individuals with colorectal cancer (PMID: 28135145 (2017)) and breast cancer (PMID: 32854451 (2020)). In a large-scale breast cancer association study, the variant was observed in breast cancer cases as well as in unaffected individuals (see LOVD and PMID: 33471991 (2021)). The frequency of this variant in the general population, 0.000099 (5/50682 chromosomes (Genome Aggregation Database)), is uninformative in the assessment of its pathogenicity. Analysis of this variant using bioinformatics tools for the prediction of the effect of amino acid changes on protein structure and function yielded predictions that this variant is damaging. Based on the available information, we are unable to determine the clinical significance of this variant.

CHEO Genetics Diagnostic Laboratory, Children's Hospital of Eastern Ontario
Classification: Uncertain significance for Breast and/or ovarian cancer. Last evaluated: 2022-11-22. Review status: criteria provided, single submitter. Criteria: ACMG Guidelines, 2015. Collection method: clinical testing. Allele origin: germline.

Institute for Biomarker Research, Medical Diagnostic Laboratories, L.L.C.
Classification: Uncertain significance for Hereditary cancer-predisposing syndrome. Last evaluated: 2022-08-18. Review status: criteria provided, single submitter. Criteria: ACMG Guidelines, 2015. Collection method: clinical testing. Allele origin: germline.

Sema4
Classification: Uncertain significance for Hereditary cancer-predisposing syndrome. Last evaluated: 2021-11-22. Review status: criteria provided, single submitter. Criteria: Sema4 Curation Guidelines. Collection method: curation. Allele origin: germline.
Comment: The BARD1 c.1793C>A (p.T598N) variant has been reported in heterozygosity in individuals with breast or colorectal cancer, and has also been reported in healthy controls (PMID: 33471991, 28135145). It was observed in 5/128954 chromosomes of the Non-Finnish European subpopulation in the large and broad cohorts of the Genome Aggregation Database (PMID: 32461654). The variant has been reported in ClinVar (Variation ID: 127723). In silico tools suggest the impact of the variant on protein function is benign, though these predictions have not been confirmed by functional studies. The evidence is insufficient to meet ACMG/AMP criteria for classifying the variant as benign or pathogenic. Thus, the clinical significance of this variant is currently uncertain.

Women's Health and Genetics/Laboratory Corporation of America, LabCorp
Classification: Uncertain significance. Last evaluated: 2021-06-14. Review status: criteria provided, single submitter. Criteria: LabCorp Variant Classification Summary - May 2015. Collection method: clinical testing. Allele origin: germline.
Comment: Variant summary: BARD1 c.1793C>A (p.Thr598Asn) results in a non-conservative amino acid change located in the BRCT domain (IPR001357) of the encoded protein sequence. Four of five in-silico tools predict a benign effect of the variant on protein function. The variant allele was found at a frequency of 1.6e-05 in 251232 control chromosomes. The available data on variant occurrences in the general population are insufficient to allow any conclusion about variant significance. c.1793C>A has been reported in the literature as a VUS in individuals undergoing multigene panel testing for colorectal cancer (example, Yurgelun_2017). These report(s) do not provide unequivocal conclusions about association of the variant with Breast Cancer. To our knowledge, no experimental evidence demonstrating an impact on protein function has been reported. Six clinical diagnostic laboratories have submitted clinical-significance assessments for this variant to ClinVar after 2014 without evidence for independent evaluation. All laboratories classified the variant as uncertain significance. Based on the evidence outlined above, the variant was classified as uncertain significance.

Illumina Laboratory Services, Illumina
Classification: Uncertain significance for Familial cancer of breast. Last evaluated: 2017-07-03. Review status: criteria provided, single submitter. Criteria: ICSL Variant Classification Criteria 13 December 2019. Collection method: clinical testing. Allele origin: germline.
Comment: This variant was observed as part of a predisposition screen in an ostensibly healthy population. A literature search was performed for the gene, cDNA change, and amino acid change (where applicable). Publications were found based on this search. However, the evidence from the literature, in combination with allele frequency data from public databases where available, was not sufficient to rule this variant in or out of causing disease. Therefore, this variant is classified as a variant of unknown significance.

Literature cited by the submitters: PubMed 28135145 (cited by 6 submitters); PubMed 32854451 (cited by 3 submitters); PubMed 33471991 (cited by 3 submitters); PubMed 25085752 (cited by Myriad Genetics, Inc.); PubMed 25318351 (cited by Quest Diagnostics Nichols Institute San Juan Capistrano and Illumina Laboratory Services, Illumina).

NM_000465.4(BARD1):c.1793C>A (p.Thr598Asn)

Gene: BARD1 (BRCA1 associated RING domain 1; minus strand). Cytogenetic location: 2q35.
Variant type: single nucleotide variant.
Coding change: c.1793C>A on transcript NM_000465.4 (MANE Select); coding-DNA position 1793, C replaced by A.
Protein change: p.Thr598Asn; replaces threonine 598 with asparagine.
Molecular consequence: missense variant. On other transcripts: non-coding transcript variant (3), intron variant (1).
Genome position (GRCh38, 1-based): chr2:214,745,739, G>T on the plus strand (C>A on the coding strand, the complement: BARD1 is on the minus strand). VCF-style: chr2-214745739-G-T. GRCh37 (hg19) VCF-style: chr2-215610463-G-T.
Other names: p.T598N:ACT>AAT; c.1736C>A, p.Thr579Asn (NM_001282543.2); c.440C>A, p.Thr147Asn (NM_001282545.2); c.383C>A, p.Thr128Asn (NM_001282548.2); c.365-15231C>A (NM_001282549.2); short protein forms T598N, T147N, T128N, T579N.
Identifiers: ClinVar variation 127723 (VCV000127723.41), dbSNP rs376256852, ClinGen allele CA331816.